The following is an entry in ClinVar:

NM_020686.6(ABAT):c.232G>A (p.Glu78Lys)

Gene: ABAT (4-aminobutyrate aminotransferase; plus strand). Cytogenetic location: 16p13.2.
Variant type: single nucleotide variant.
Coding change: c.232G>A on transcript NM_020686.6 (MANE Select); coding-DNA position 232, G replaced by A.
Protein change: p.Glu78Lys; replaces glutamic acid 78 with lysine.
Molecular consequence: missense variant. On other transcripts: intron variant (2).
Genome position (GRCh38, 1-based): chr16:8,750,455, G>A. VCF-style: chr16-8750455-G-A. GRCh37 (hg19) VCF-style: chr16-8844312-G-A.
Other names: c.232G>A, p.Glu78Lys (NM_000663.5, NM_001127448.2, NM_001386600.1 and 11 more transcripts); c.97G>A, p.Glu33Lys (NM_001386611.1, NM_001386612.1, NM_001386613.1); c.101-4G>A (NM_001386610.1); c.71-7302G>A (NM_001386614.1); short protein forms E33K, E78K.
Identifiers: ClinVar variation 1063594 (VCV001063594.9), dbSNP rs565305929, ClinGen allele CA7893031.

ClinVar aggregate classification (germline): Uncertain significance (1 of 4 stars; one submission).

Conditions:
Gamma-aminobutyric acid transaminase deficiency (GABATD). Also called: GABA transaminase deficiency; Gamma aminobutyrate transaminase deficiency; 4 alpha aminobutyrate transaminase deficiency; GABA aminotransaminase deficiency. Identifiers: Orphanet 2066, MedGen C0342708, MONDO:0013166, OMIM 613163.

Allele frequency attached by ClinVar (database versions not stated): ExAC 0.00001; gnomAD exomes 0.00001.
gnomAD v4.1: 9 of 1,614,140 alleles (0.00056%); highest among the groups gnomAD compares: South Asian, 0.0011%; no homozygotes.

Submission:

Labcorp Genetics (formerly Invitae), Labcorp
Classification: Uncertain significance for Gamma-aminobutyric acid transaminase deficiency. Last evaluated: 2020-10-05. Review status: criteria provided, single submitter. Criteria: Invitae Variant Classification Sherloc (09022015). Collection method: clinical testing. Allele origin: germline.
Comment: In summary, the available evidence is currently insufficient to determine the role of this variant in disease. Therefore, it has been classified as a Variant of Uncertain Significance. Algorithms developed to predict the effect of missense changes on protein structure and function are either unavailable or do not agree on the potential impact of this missense change (SIFT: "Deleterious"; PolyPhen-2: "Benign"; Align-GVGD: "Class C15"). This variant has not been reported in the literature in individuals with ABAT-related conditions. This variant is present in population databases (rs565305929, ExAC 0.01%). This sequence change replaces glutamic acid with lysine at codon 78 of the ABAT protein (p.Glu78Lys). The glutamic acid residue is highly conserved and there is a small physicochemical difference between glutamic acid and lysine.